The following is an entry in ClinVar:

ClinVar aggregate classification (germline): Uncertain significance (1 of 4 stars; one submission).

gnomAD v4.1: 3 of 1,611,742 alleles (0.00019%); highest among the groups gnomAD compares: South Asian, 0.0011%; no homozygotes.

Submission:

GeneDx
Classification: Uncertain significance. Last evaluated: 2024-06-20. Review status: criteria provided, single submitter. Criteria: GeneDx Variant Classification Process June 2021. Collection method: clinical testing. Allele origin: germline. Affected: yes.
Comment: Not observed at significant frequency in large population cohorts (gnomAD); In silico analysis supports that this missense variant has a deleterious effect on protein structure/function; Has not been previously published as pathogenic or benign to our knowledge

NM_002661.5(PLCG2):c.1009C>T (p.Arg337Trp)

Gene: PLCG2 (phospholipase C gamma 2; plus strand). Cytogenetic location: 16q23.3.
Variant type: single nucleotide variant.
Coding change: c.1009C>T on transcript NM_002661.5 (MANE Select); coding-DNA position 1009, C replaced by T.
Protein change: p.Arg337Trp; replaces arginine 337 with tryptophan.
Molecular consequence: missense variant.
Genome position (GRCh38, 1-based): chr16:81,893,731, C>T. VCF-style: chr16-81893731-C-T. GRCh37 (hg19) VCF-style: chr16-81927336-C-T.
Other names: short protein forms R337W.
Identifiers: ClinVar variation 2505651 (VCV002505651.2), dbSNP rs1327269467, ClinGen allele CA396898549.